The following is an entry in ClinVar:

NM_017739.4(POMGNT1):c.19A>G (p.Ser7Gly)

Gene: POMGNT1 (protein O-linked mannose N-acetylglucosaminyltransferase 1 (beta 1,2-); minus strand). Cytogenetic location: 1p34.1.
Variant type: single nucleotide variant.
Coding change: c.19A>G on transcript NM_017739.4 (MANE Select); coding-DNA position 19, A replaced by G.
Protein change: p.Ser7Gly; replaces serine 7 with glycine.
Molecular consequence: missense variant.
Genome position (GRCh38, 1-based): chr1:46,197,803, T>C on the plus strand (A>G on the coding strand, the complement: POMGNT1 is on the minus strand). VCF-style: chr1-46197803-T-C. GRCh37 (hg19) VCF-style: chr1-46663475-T-C.
Other names: c.19A>G, p.Ser7Gly (NM_001243766.2); short protein forms S7G.
Identifiers: ClinVar variation 1417385 (VCV001417385.6), dbSNP rs2148222925, ClinGen allele CA340193289.
Genomic context (GRCh38, chr1:46,197,803, plus strand): 5'-ACTTCCAGGTAAGGTACCAGCTCCGCTTCTTCCGAGCCCCAAAGGGCTTGATGAGGGGGC[T>C]GGGCTTCCAGTCGTCCATACCGGATTGGCGGGTCACCAATGTCCTGGCCAGCCCATGACT-3'
Protein context (NP_060209.4, residues 1-17): MDDWKP[Ser7Gly]PLIKPFGARK

ClinVar aggregate classification (germline): Uncertain significance (1 of 4 stars; one submission).

Conditions:
Autosomal recessive limb-girdle muscular dystrophy type 2O. Also called: Limb-Girdle Muscular Dystrophy Type 3C; MUSCULAR DYSTROPHY-DYSTROGLYCANOPATHY (LIMB-GIRDLE), TYPE C, 3; MUSCULAR DYSTROPHY-DYSTROGLYCANOPATHY, LIMB-GIRDLE, POMGNT1-RELATED. Identifiers: Orphanet 206564, MedGen C3150417, MONDO:0013161, OMIM 613157.
Muscular dystrophy-dystroglycanopathy (congenital with impaired intellectual development), type B, 3. Also called: MUSCULAR DYSTROPHY, CONGENITAL, POMGNT1-RELATED; Muscular dystrophy-dystroglycanopathy (congenital with intellectual disability), type B3. Identifiers: MedGen C3150412, MONDO:0013155, OMIM 613151.

gnomAD v4.1: 1 of 1,614,144 alleles (0.000062%); highest among the groups gnomAD compares: Non-Finnish European, 0.000085%; no homozygotes.

Submission:

Labcorp Genetics (formerly Invitae), Labcorp
Classification: Uncertain significance for Autosomal recessive limb-girdle muscular dystrophy type 2O; Muscular dystrophy-dystroglycanopathy (congenital with impaired intellectual development), type B, 3. Last evaluated: 2021-09-02. Review status: criteria provided, single submitter. Criteria: Invitae Variant Classification Sherloc (09022015). Collection method: clinical testing. Allele origin: germline.
Comment: This sequence change replaces serine with glycine at codon 7 of the POMGNT1 protein (p.Ser7Gly). The serine residue is moderately conserved and there is a small physicochemical difference between serine and glycine. This variant is not present in population databases (ExAC no frequency). This variant has not been reported in the literature in individuals affected with POMGNT1-related conditions. Advanced modeling of protein sequence and biophysical properties (such as structural, functional, and spatial information, amino acid conservation, physicochemical variation, residue mobility, and thermodynamic stability) performed at Invitae indicates that this missense variant is not expected to disrupt POMGNT1 protein function. In summary, the available evidence is currently insufficient to determine the role of this variant in disease. Therefore, it has been classified as a Variant of Uncertain Significance.